The following is an entry in ClinVar:

NM_019066.5(MAGEL2):c.1833G>C (p.Gln611His)

Gene: MAGEL2 (MAGE family member L2; minus strand). Cytogenetic location: 15q11.2.
Variant type: single nucleotide variant.
Coding change: c.1833G>C on transcript NM_019066.5 (MANE Select); coding-DNA position 1833, G replaced by C.
Protein change: p.Gln611His; replaces glutamine 611 with histidine.
Molecular consequence: missense variant.
Genome position (GRCh38, 1-based): chr15:23,645,910, C>G on the plus strand (G>C on the coding strand, the complement: MAGEL2 is on the minus strand). VCF-style: chr15-23645910-C-G. GRCh37 (hg19) VCF-style: chr15-23891057-C-G.
Other names: short protein forms Q611H.
Identifiers: ClinVar variation 3641731 (VCV003641731.2).

ClinVar aggregate classification (germline): Uncertain significance (1 of 4 stars; one submission).

Submission:

Labcorp Genetics (formerly Invitae), Labcorp
Classification: Uncertain significance. Last evaluated: 2024-02-17. Review status: criteria provided, single submitter. Criteria: Invitae Variant Classification Sherloc (09022015). Collection method: clinical testing. Allele origin: germline.
Comment: This sequence change replaces glutamine, which is neutral and polar, with histidine, which is basic and polar, at codon 611 of the MAGEL2 protein (p.Gln611His). This variant is not present in population databases (gnomAD no frequency). This variant has not been reported in the literature in individuals affected with MAGEL2-related conditions. Advanced modeling of protein sequence and biophysical properties (such as structural, functional, and spatial information, amino acid conservation, physicochemical variation, residue mobility, and thermodynamic stability) performed at Invitae indicates that this missense variant is not expected to disrupt MAGEL2 protein function with a negative predictive value of 80%. In summary, the available evidence is currently insufficient to determine the role of this variant in disease. Therefore, it has been classified as a Variant of Uncertain Significance.